The following is an entry in ClinVar:

NM_006237.4(POU4F1):c.365C>A (p.Ser122Ter)

Genes: OBI1-AS1 (OBI1 antisense RNA 1; plus strand), POU4F1 (POU class 4 homeobox 1; minus strand). Cytogenetic location: 13q31.1.
Variant type: single nucleotide variant.
Coding change: c.365C>A on transcript NM_006237.4 (MANE Select); coding-DNA position 365, C replaced by A.
Protein change: p.Ser122Ter; replaces serine 122 with a stop codon.
Molecular consequence: nonsense.
Genome position (GRCh38, 1-based): chr13:78,602,310, G>T on the plus strand (C>A on the coding strand, the complement: POU4F1 is on the minus strand). VCF-style: chr13-78602310-G-T. GRCh37 (hg19) VCF-style: chr13-79176445-G-T.
Other names: short protein forms S122*.
Identifiers: ClinVar variation 2573972 (VCV002573972.1), dbSNP rs1379178401, ClinGen allele CA388427588.
Genomic context (GRCh38, chr13:78,602,310, plus strand): 5'-CCGCCGCCGCCGGCCGCCGCGCCCGCGCCGCCCGCGCCGGCCATGAGCGCGAGCGACGGC[G>T]AGGAGATGTGGTCCAGCAGATCGCCGGGTTCGAGCGCCTGGTGGTGGTGGTGGTGGTGGT-3'

ClinVar aggregate classification (germline): Uncertain significance (1 of 4 stars; one submission).

Submission:

GeneDx
Classification: Uncertain significance. Last evaluated: 2023-01-19. Review status: criteria provided, single submitter. Criteria: GeneDx Variant Classification Process June 2021. Collection method: clinical testing. Allele origin: germline. Affected: yes.
Comment: Not observed at significant frequency in large population cohorts (gnomAD); Has not been previously published as pathogenic or benign to our knowledge; Nonsense variant predicted to result in protein truncation as the last 298 amino acids are lost